The following is an entry in ClinVar:

ClinVar aggregate classification (germline): Uncertain significance. Review status: criteria provided, multiple submitters, no conflicts (2 of 4 stars). 3 submissions from 3 submitters: Uncertain significance (3). Last evaluated 2026-06-17.

Conditions:
Inborn genetic diseases. Identifiers: MedGen C0950123, MeSH D030342.
Malignant hyperthermia, susceptibility to, 1 (MHS1). Also called: Anesthesia related hyperthermia; Malignant hyperpyrexia; Fulminating hyperpyrexia; Pharmacogenic myopathy; RYR1-Related Malignant Hyperthermia Susceptibility; Malignant hyperthermia suceptibility 1. Identifiers: Orphanet 423, MedGen C2930980, MONDO:0007783, OMIM 145600.
RYR1-related disorder. Also called: RYR1-related disorders; RYR1-related condition. Identifiers: MedGen CN239331.

Allele frequency attached by ClinVar (database versions not stated): TOPMed below 0.00001; ExAC 0.00002.
gnomAD v4.1: 9 of 1,597,622 alleles (0.00056%); highest among the groups gnomAD compares: Non-Finnish European, 0.00077%; no homozygotes.

Submissions (3):

Ambry Genetics
Classification: Uncertain significance for Inborn genetic diseases. Last evaluated: 2026-06-17. Review status: criteria provided, single submitter. Criteria: Ambry Variant Classification Scheme 2023. Collection method: clinical testing. Allele origin: germline.
Comment: The c.10246G>A (p.V3416M) alteration is located in exon 67 (coding exon 67) of the RYR1 gene. This alteration results from a G to A substitution at nucleotide position 10246, causing the valine (V) at amino acid position 3416 to be replaced by a methionine (M). Based on data from gnomAD, the A allele has an overall frequency of <0.001% (0/220450) total alleles studied. The highest observed frequency was <0.001% (/) of alleles. Based on insufficient or conflicting evidence, the clinical significance of this alteration remains unclear.

All of Us Research Program, National Institutes of Health
Classification: Uncertain significance for Malignant hyperthermia, susceptibility to, 1. Last evaluated: 2023-10-06. Review status: criteria provided, single submitter. Criteria: ACMG Guidelines, 2015. Collection method: clinical testing. Allele origin: germline. Inheritance: Autosomal dominant inheritance. Observed: 1 variant allele, 1 heterozygote.
Comment: This missense variant replaces valine with methionine at codon 3416 of the RYR1 protein. Computational prediction suggests that this variant may have deleterious impact on protein structure and function (internally defined REVEL score threshold >= 0.7, PMID: 27666373). To our knowledge, functional studies have not been reported for this variant. This variant has not been reported in individuals affected with RYR1-related disorders in the literature. This variant has not been identified in the general population by the Genome Aggregation Database (gnomAD). The available evidence is insufficient to determine the role of this variant in disease conclusively. Therefore, this variant is classified as a Variant of Uncertain Significance.

This study involves interpretation of variants in research participants for the purpose of population health screening. Participant phenotype was not available at the time of variant classification. Additional details can be found in publication PMID: 35346344, PMCID: PMC8962531

Labcorp Genetics (formerly Invitae), Labcorp
Classification: Uncertain significance for RYR1-related disorder. Last evaluated: 2022-07-12. Review status: criteria provided, single submitter. Criteria: Invitae Variant Classification Sherloc (09022015). Collection method: clinical testing. Allele origin: germline.
Comment: This sequence change replaces valine, which is neutral and non-polar, with methionine, which is neutral and non-polar, at codon 3416 of the RYR1 protein (p.Val3416Met). The frequency data for this variant in the population databases is considered unreliable, as metrics indicate poor data quality at this position in the gnomAD database. This variant has not been reported in the literature in individuals affected with RYR1-related conditions. ClinVar contains an entry for this variant (Variation ID: 570321). Advanced modeling of protein sequence and biophysical properties (such as structural, functional, and spatial information, amino acid conservation, physicochemical variation, residue mobility, and thermodynamic stability) performed at Invitae indicates that this missense variant is expected to disrupt RYR1 protein function. In summary, the available evidence is currently insufficient to determine the role of this variant in disease. Therefore, it has been classified as a Variant of Uncertain Significance.

NM_000540.3(RYR1):c.10246G>A (p.Val3416Met)

Gene: RYR1 (ryanodine receptor 1; plus strand). Cytogenetic location: 19q13.2.
Variant type: single nucleotide variant.
Coding change: c.10246G>A on transcript NM_000540.3 (MANE Select); coding-DNA position 10246, G replaced by A.
Protein change: p.Val3416Met; replaces valine 3416 with methionine.
Molecular consequence: missense variant.
Genome position (GRCh38, 1-based): chr19:38,519,441, G>A. VCF-style: chr19-38519441-G-A. GRCh37 (hg19) VCF-style: chr19-39010081-G-A.
Other names: c.10246G>A, p.Val3416Met (NM_001042723.2); short protein forms V3416M.
Identifiers: ClinVar variation 570321 (VCV000570321.9), dbSNP rs760809784, ClinGen allele CA052702.